The following is an entry in ClinVar:

ClinVar aggregate classification (germline): Pathogenic (1 of 4 stars; one submission).

Submission:

Labcorp Genetics (formerly Invitae), Labcorp
Classification: Pathogenic. Last evaluated: 2023-04-07. Review status: criteria provided, single submitter. Criteria: Invitae Variant Classification Sherloc (09022015). Collection method: clinical testing. Allele origin: germline.
Comment: For these reasons, this variant has been classified as Pathogenic. This variant disrupts a region of the RXYLT1 protein in which other variant(s) (p.Asp355Valfs*33) have been determined to be pathogenic (PMID: 23217329). This suggests that this is a clinically significant region of the protein, and that variants that disrupt it are likely to be disease-causing. This variant has not been reported in the literature in individuals affected with RXYLT1-related conditions. This variant is not present in population databases (gnomAD no frequency). This sequence change creates a premature translational stop signal (p.Thr311Lysfs*24) in the RXYLT1 gene. While this is not anticipated to result in nonsense mediated decay, it is expected to disrupt the last 133 amino acid(s) of the RXYLT1 protein.

Literature cited by the submitters: PubMed 23217329.

NM_014254.3(RXYLT1):c.932del (p.Thr311fs)

Gene: RXYLT1 (ribitol xylosyltransferase 1; plus strand). Cytogenetic location: 12q14.2.
Variant type: Deletion.
Coding change: c.932del on transcript NM_014254.3 (MANE Select); coding-DNA position 932, one base deleted (C; older notation c.932delC).
Protein change: p.Thr311fs; shifts the reading frame from threonine 311.
Molecular consequence: frameshift variant.
Genome position (GRCh38, 1-based): chr12:63,808,692, C deleted. VCF-style (leftmost placement, unchanged base first): chr12-63808691-AC-A. GRCh37 (hg19) VCF-style: chr12-64202471-AC-A.
Other names: c.152del, p.Thr51fs (NM_001278237.2); short protein forms T51fs, T311fs.
Identifiers: ClinVar variation 2853169 (VCV002853169.3), dbSNP rs2500533173, ClinGen allele CA2739272146.